The following is an entry in ClinVar:

ClinVar aggregate classification (germline): Pathogenic. Review status: reviewed by expert panel (3 of 4 stars). 8 submissions from 8 submitters: Pathogenic (1). 7 of the submissions do not count toward it. Last evaluated 2025-03-27.

Conditions:
RPE65-related recessive retinopathy. Also called: Recessive RPE65 retinopathy. Identifiers: MedGen CN305526, MONDO:0100368.
RPE65-related disorder. Also called: RPE65-related condition; RPE65-related disorders. Identifiers: MedGen CN239301.
Leber congenital amaurosis 2 (LCA2). Also called: AMAUROSIS CONGENITA OF LEBER II; Autosomal Recessive RPE65-Related Retinal Degeneration. Identifiers: Orphanet 65, MedGen C1859844, MONDO:0008765, OMIM 204100. Disease mechanism: loss of function.
Retinitis pigmentosa 20 (RP20). Identifiers: Orphanet 791, MedGen C3151086, MONDO:0013425, OMIM 613794.
Retinitis pigmentosa 87 with choroidal involvement. Identifiers: MedGen C5231465, MONDO:0032873, OMIM 618697.
Retinal dystrophy. Also called: Inherited retinal dystrophy. Identifiers: Orphanet 71862, MedGen C0854723, MeSH D058499, MONDO:0019118, HP:0000556.

gnomAD v4.1: 3 of 1,613,238 alleles (0.00019%); highest among the groups gnomAD compares: Non-Finnish European, 0.00025%; no homozygotes.

Submissions (8):

ClinGen Leber Congenital Amaurosis/early Onset Retinal Dystrophy Variant Curation Expert Panel, ClinGen
Classification: Pathogenic for RPE65-related recessive retinopathy. Last evaluated: 2025-03-27. Review status: reviewed by expert panel. Criteria: ClinGen LCAeoRD ACMG Specifications RPE65 V1.0.0. Collection method: curation. Allele origin: germline. Inheritance: Autosomal recessive inheritance.
Comment: The NM_000329.3(RPE65):c.726-2A>T variant occurs at a canonical splice site in intron 7. It is predicted to lead to skipping of a critical exon, resulting in a frameshift, and likely nonsense-mediated decay in a gene in which loss-of-function is an established mechanism of disease (PVS1). This variant is present in gnomAD v.4.1.0 at a Grpmax allele frequency of 6.800e-7 , with 3 alleles / 1179940 total alleles in the European (non-Finnish) population, which is lower than the ClinGen LCA / eoRD VCEP PM2_Supporting threshold of <0.0002 (PM2_Supporting).At least one proband harboring this variant exhibits a phenotype including a diagnosis of LCA (0.5 pts) with nystagmus (1 pt), myopia, retinal degeneration at 2-years-old (1 pt), sluggish pupillary responses (0.5 pts), extensive atrophic retinal changes, salt and pepper fundus appearance (2 pts), optic disc pallor, and extinguished rod and cone ERG (1.5 pts). Screening by NGS did not reveal any additional variants of interest (2 pts). Together these phenotypes are highly specific for RPE65-related recessive retinopathy (total 8.5 points, PMID: 33308271, PP4_moderate).The variant has been reported to segregate with childhood-onset severe retinal dystrophy through the proband plus 1 similarly affected relative, with the variant present in the compound heterozygous state (PP1; PMID: 33308271).This variant is located at the splice acceptor +/-1,2 dinucleotide position and has a comparable Pathogenic variant at the +/-1,2 dinucleotide (NM_000329.3(RPE65):c.726-2A>C).(PS1_supporting). In summary, this variant meets the criteria to be classified as Pathogenic for RPE65-related recessive retinopathy based on the ACMG/AMP criteria applied, as specified by the ClinGen LCA/eoRD VCEP: PVS1, PM2_supporting, PP4_moderate, PP1, PS1_supporting. (VCEP specifications version 1.0.0; date of approval 09/21/2023).

Myriad Genetics, Inc.
Classification: Likely pathogenic for RPE65-related recessive retinopathy. Last evaluated: 2026-07-13. Review status: criteria provided, single submitter. Criteria: Myriad Autosomal Dominant, Autosomal Recessive and X-Linked Classification Criteria (2023). Collection method: clinical testing. Allele origin: unknown. Not counted in ClinVar's aggregate classification.
Comment: NM_000329.2(RPE65):c.726-2A>T is a variant in a canonical splice site classified as likely pathogenic in the context of inherited retinal dystrophy, RPE65-related. c.726-2A>T has not been observed in cases with relevant disease. Relevant functional assessments of this variant are not available in the literature. c.726-2A>T has not been observed in referenced population frequency databases. In summary, NM_000329.2(RPE65):c.726-2A>T is a variant in a canonical splice site in a gene where loss of function is a known mechanism of disease and is predicted to disrupt protein function. Please note: this variant was assessed in the context of healthy population screening.

Labcorp Genetics (formerly Invitae), Labcorp
Classification: Pathogenic for Leber congenital amaurosis 2; Retinitis pigmentosa 20. Last evaluated: 2024-07-31. Review status: criteria provided, single submitter. Criteria: Invitae Variant Classification Sherloc (09022015). Collection method: clinical testing. Allele origin: germline. Not counted in ClinVar's aggregate classification.
Comment: This sequence change affects an acceptor splice site in intron 7 of the RPE65 gene. It is expected to disrupt RNA splicing. Variants that disrupt the donor or acceptor splice site typically lead to a loss of protein function (PMID: 16199547), and loss-of-function variants in RPE65 are known to be pathogenic (PMID: 9326941, 9501220, 9843205, 18632300). This variant is not present in population databases (gnomAD no frequency). Disruption of this splice site has been observed in individuals with autosomal recessive Leber congenital amaurosis (PMID: 27208204, 29178642). ClinVar contains an entry for this variant (Variation ID: 952461). Algorithms developed to predict the effect of sequence changes on RNA splicing suggest that this variant may disrupt the consensus splice site. For these reasons, this variant has been classified as Pathogenic.

Fulgent Genetics
Classification: Likely pathogenic for Leber congenital amaurosis 2; Retinitis pigmentosa 20; Retinitis pigmentosa 87 with choroidal involvement. Last evaluated: 2024-03-30. Review status: criteria provided, single submitter. Criteria: ACMG Guidelines, 2015. Collection method: clinical testing. Allele origin: germline. Not counted in ClinVar's aggregate classification.

Baylor Genetics
Classification: Pathogenic for Leber congenital amaurosis 2. Last evaluated: 2023-12-20. Review status: criteria provided, single submitter. Criteria: ACMG Guidelines, 2015. Collection method: clinical testing. Allele origin: unknown. Not counted in ClinVar's aggregate classification.

Institute of Human Genetics, Univ. Regensburg, Univ. Regensburg
Classification: Pathogenic for Retinal dystrophy. Last evaluated: 2021-01-01. Review status: criteria provided, single submitter. Criteria: ACMG Guidelines, 2015. Collection method: clinical testing. Allele origin: germline. Affected: yes. Not counted in ClinVar's aggregate classification.

Blueprint Genetics
Classification: Pathogenic for RPE65-related disorders. Last evaluated: 2019-10-23. Review status: criteria provided, single submitter. Criteria: ACMG Guidelines, 2015. Collection method: clinical testing. Allele origin: germline. Affected: yes. Observed: 2 variant alleles. Not counted in ClinVar's aggregate classification.

Laboratory of Genetics in Ophthalmology, Institut Imagine
Classification: Pathogenic for Leber congenital amaurosis 2. Review status: no assertion criteria provided. Collection method: research. Allele origin: inherited. Affected: yes. Observed: 1 variant allele. Not counted in ClinVar's aggregate classification.

Literature cited by the submitters: PubMed 16199547 (cited by Labcorp Genetics (formerly Invitae), Labcorp); PubMed 9326941 (cited by Labcorp Genetics (formerly Invitae), Labcorp); PubMed 9501220 (cited by Labcorp Genetics (formerly Invitae), Labcorp and Laboratory of Genetics in Ophthalmology, Institut Imagine); PubMed 9843205 (cited by Labcorp Genetics (formerly Invitae), Labcorp); PubMed 18632300 (cited by Labcorp Genetics (formerly Invitae), Labcorp); PubMed 27208204 (cited by Labcorp Genetics (formerly Invitae), Labcorp); PubMed 29178642 (cited by Labcorp Genetics (formerly Invitae), Labcorp); PubMed 33308271 (cited by Institute of Human Genetics, Univ. Regensburg, Univ. Regensburg).

NM_000329.3(RPE65):c.726-2A>T

Gene: RPE65 (retinoid isomerohydrolase RPE65; minus strand). Cytogenetic location: 1p31.3.
Variant type: single nucleotide variant.
Coding change: c.726-2A>T on transcript NM_000329.3 (MANE Select); the canonical splice acceptor site of the intron before coding-DNA position 726, A replaced by T.
Molecular consequence: splice acceptor variant.
Genome position (GRCh38, 1-based): chr1:68,439,325, T>A on the plus strand (A>T on the coding strand, the complement: RPE65 is on the minus strand). VCF-style: chr1-68439325-T-A. GRCh37 (hg19) VCF-style: chr1-68905008-T-A.
Other names: c.450-2A>T (NM_001406857.1, NM_001406856.1); c.618-2A>T (NM_001406853.1); c.726-2A>T (NM_001406859.1).
Identifiers: ClinVar variation 952461 (VCV000952461.17), dbSNP rs878853372, ClinGen allele CA340745897.
Genomic context (GRCh38, chr1:68,439,325, plus strand): 5'-ACAGGTTAATTTTGACTGGTGTCTCCACAAAAACGATATAGTTGGGAGTCAGACCAAAAC[T>A]GTTCAGAAACACAAATGGGCTTGTGAATGAAAGGGCTGATTCTCAAGCCACAGACAAATT-3'